The following is an entry in ClinVar:

NM_001271938.2(MEGF8):c.5766G>A (p.Pro1922=)

Gene: MEGF8 (multiple EGF like domains 8; plus strand). Cytogenetic location: 19q13.2.
Variant type: single nucleotide variant.
Coding change: c.5766G>A on transcript NM_001271938.2 (MANE Select); coding-DNA position 5766, G replaced by A.
Protein change: p.Pro1922=; no amino-acid change (proline 1922 retained).
Molecular consequence: synonymous variant.
Genome position (GRCh38, 1-based): chr19:42,362,135, G>A. VCF-style: chr19-42362135-G-A. GRCh37 (hg19) VCF-style: chr19-42866287-G-A.
Other names: c.5565G>A, p.Pro1855= (NM_001410.3).
Identifiers: ClinVar variation 3653224 (VCV003653224.2).

ClinVar aggregate classification (germline): Uncertain significance (1 of 4 stars; one submission).

Conditions:
MEGF8-related Carpenter syndrome. Also called: Carpenter syndrome 2. Identifiers: Orphanet 65759, MedGen C3554247, MONDO:0013998, OMIM 614976.

gnomAD v4.1: 58 of 1,612,290 alleles (0.0036%); highest among the groups gnomAD compares: South Asian, 0.02%; no homozygotes.

Submission:

Labcorp Genetics (formerly Invitae), Labcorp
Classification: Uncertain significance for MEGF8-related Carpenter syndrome. Last evaluated: 2024-12-12. Review status: criteria provided, single submitter. Criteria: Invitae Variant Classification Sherloc (09022015). Collection method: clinical testing. Allele origin: germline.
Comment: This sequence change affects codon 1855 of the MEGF8 mRNA. It is a 'silent' change, meaning that it does not change the encoded amino acid sequence of the MEGF8 protein. This variant is present in population databases (rs571282039, gnomAD 0.03%). This variant has not been reported in the literature in individuals affected with MEGF8-related conditions. Algorithms developed to predict the effect of sequence changes on RNA splicing suggest that this variant may create or strengthen a splice site. In summary, the available evidence is currently insufficient to determine the role of this variant in disease. Therefore, it has been classified as a Variant of Uncertain Significance.